The following is an entry in ClinVar:

ClinVar aggregate classification (germline): Uncertain significance (1 of 4 stars; one submission).

Conditions:
Microcephaly 18, primary, autosomal dominant (MCPH18). Identifiers: MedGen C4479608, MONDO:0054593, OMIM 617520.

gnomAD v4.1: 9 of 1,593,432 alleles (0.00056%); highest among the groups gnomAD compares: Non-Finnish European, 0.00077%; no homozygotes.

Submission:

Victorian Clinical Genetics Services, Murdoch Childrens Research Institute
Classification: Uncertain significance for Microcephaly 18, primary, autosomal dominant. Last evaluated: 2020-05-25. Review status: criteria provided, single submitter. Criteria: ACMG Guidelines, 2015. Collection method: clinical testing. Allele origin: germline. Inheritance: Autosomal dominant inheritance.
Comment: Based on the classification scheme VCGS_Germline_v1.1.1, this variant is classified as VUS – 3B. Following criteria are met: 0102 - Loss-of-function is a likely mechanism of disease for this gene. (N) 0107 - This gene is known to be associated with autosomal dominant disease (OMM, PMID:31327001). (N) 0212 - Non-canonical splice variant without proven consequence on splicing (no functional evidence available) (intron 27 of 67). (P) 0251 - Variant is heterozygous. (N) 0301 - Variant is absent from gnomAD. (P) 0508 - In-silico predictions for abnormal splicing are conflicting. (N) 0705 - No comparable variants have previous evidence for pathogenicity. (N) 0807 - Variant has not previously been reported in a clinical context. (N) 0905 - No segregation evidence has been identified for this variant. (N) 1007 - No published functional evidence has been identified for this variant. (N) 1208 - Inheritance information for this variant is not currently available. (N) Legend: (P) - Pathogenic, (N) - Neutral, (B) - Benign

Literature cited by the submitters: PubMed 31327001.

NM_014991.6(WDFY3):c.4518+7A>G

Gene: WDFY3 (WD repeat and FYVE domain containing 3; minus strand). Cytogenetic location: 4q21.23.
Variant type: single nucleotide variant.
Coding change: c.4518+7A>G on transcript NM_014991.6 (MANE Select); 7 bases into the intron after coding-DNA position 4518, A replaced by G.
Molecular consequence: intron variant.
Genome position (GRCh38, 1-based): chr4:84,778,496, T>C on the plus strand (A>G on the coding strand, the complement: WDFY3 is on the minus strand). VCF-style: chr4-84778496-T-C. GRCh37 (hg19) VCF-style: chr4-85699649-T-C.
Identifiers: ClinVar variation 1805688 (VCV001805688.1), dbSNP rs2533251895, ClinGen allele CA923726166.
Genomic context (GRCh38, chr4:84,778,496, plus strand): 5'-TTATAATCATATGGAGTAAGAAATGCATTCATTGATTATATATTATCAATTATGCTTATA[T>C]ACATACTTCAAAATCACAGAGGAGGTCCTGGAAAGCAGTTGAATTTGGAATAATGGAGGT-3'